The following is an entry in ClinVar:

NM_017763.6(RNF43):c.1848C>T (p.Pro616=)

Gene: RNF43 (ring finger protein 43; minus strand). Cytogenetic location: 17q22.
Variant type: single nucleotide variant.
Coding change: c.1848C>T on transcript NM_017763.6 (MANE Select); coding-DNA position 1848, C replaced by T.
Protein change: p.Pro616=; no amino-acid change (proline 616 retained).
Molecular consequence: synonymous variant.
Genome position (GRCh38, 1-based): chr17:58,357,928, G>A on the plus strand (C>T on the coding strand, the complement: RNF43 is on the minus strand). VCF-style: chr17-58357928-G-A. GRCh37 (hg19) VCF-style: chr17-56435289-G-A.
Other names: c.1848C>T, p.Pro616= (NM_001305544.3); c.1467C>T, p.Pro489= (NM_001305545.2).
Identifiers: ClinVar variation 3434511 (VCV003434511.3).

ClinVar aggregate classification (germline): Benign/Likely benign. Review status: criteria provided, multiple submitters, no conflicts (2 of 4 stars). 3 submissions from 3 submitters: Benign (1); Likely benign (2). Last evaluated 2026-07-02.

Conditions:
Sessile serrated polyposis cancer syndrome (SSPCS). Identifiers: Orphanet 157798, MedGen C4310714, MONDO:0014919, OMIM 617108.

gnomAD v4.1: 4 of 1,613,336 alleles (0.00025%); highest among the groups gnomAD compares: South Asian, 0.0044%; no homozygotes.

Submissions (3):

Myriad Genetics, Inc.
Classification: Benign for Sessile serrated polyposis cancer syndrome. Last evaluated: 2026-07-02. Review status: criteria provided, single submitter. Criteria: Myriad Autosomal Dominant, Autosomal Recessive and X-Linked Classification Criteria (2023). Collection method: clinical testing. Allele origin: unknown.
Comment: This variant is considered benign. This variant is a silent/synonymous amino acid change and it is not expected to impact splicing.

Labcorp Genetics (formerly Invitae), Labcorp
Classification: Likely benign. Last evaluated: 2025-12-15. Review status: criteria provided, single submitter. Criteria: Invitae Variant Classification Sherloc (09022015). Collection method: clinical testing. Allele origin: germline.

Ambry Genetics
Classification: Likely benign. Last evaluated: 2024-11-25. Review status: criteria provided, single submitter. Criteria: Ambry Variant Classification Scheme 2023. Collection method: clinical testing. Allele origin: germline.